The following is an entry in ClinVar:

NM_005219.5(DIAPH1):c.2427T>A (p.Asn809Lys)

Gene: DIAPH1 (diaphanous related formin 1; minus strand). Cytogenetic location: 5q31.3.
Variant type: single nucleotide variant.
Coding change: c.2427T>A on transcript NM_005219.5 (MANE Select); coding-DNA position 2427, T replaced by A.
Protein change: p.Asn809Lys; replaces asparagine 809 with lysine.
Molecular consequence: missense variant.
Genome position (GRCh38, 1-based): chr5:141,571,972, A>T on the plus strand (T>A on the coding strand, the complement: DIAPH1 is on the minus strand). VCF-style: chr5-141571972-A-T. GRCh37 (hg19) VCF-style: chr5-140951539-A-T.
Other names: c.2400T>A, p.Asn800Lys (NM_001079812.3); c.2427T>A, p.Asn809Lys (NM_001314007.2); short protein forms N800K, N809K.
Identifiers: ClinVar variation 4787144 (VCV004787144.1).

ClinVar aggregate classification (germline): Uncertain significance (1 of 4 stars; one submission).

Conditions:
Progressive microcephaly-seizures-cortical blindness-developmental delay syndrome. Also called: Seizures, cortical blindness, and microcephaly syndrome. Identifiers: Orphanet 477814, MedGen C5567650, MONDO:0014714, OMIM 616632.
Autosomal dominant nonsyndromic hearing loss 1. Also called: DEAFNESS, AUTOSOMAL DOMINANT 1, WITH OR WITHOUT THROMBOCYTOPENIA; KONIGSMARK SYNDROME. Identifiers: Orphanet 90635, MedGen C1852282, MONDO:0007424, OMIM 124900.

Submission:

Labcorp Genetics (formerly Invitae), Labcorp
Classification: Uncertain significance for Progressive microcephaly-seizures-cortical blindness-developmental delay syndrome; Autosomal dominant nonsyndromic hearing loss 1. Last evaluated: 2025-12-26. Review status: criteria provided, single submitter. Criteria: Invitae Variant Classification Sherloc (09022015). Collection method: clinical testing. Allele origin: germline.
Comment: This sequence change replaces asparagine, which is neutral and polar, with lysine, which is basic and polar, at codon 809 of the DIAPH1 protein (p.Asn809Lys). This variant is not present in population databases (gnomAD no frequency). This variant has not been reported in the literature in individuals affected with DIAPH1-related conditions. An algorithm developed to predict the effect of missense changes on protein structure and function (PolyPhen-2) suggests that this variant is likely to be tolerated. In summary, the available evidence is currently insufficient to determine the role of this variant in disease. Therefore, it has been classified as a Variant of Uncertain Significance.